The following is an entry in ClinVar:

NM_031407.7(HUWE1):c.11562C>A (p.Asp3854Glu)

Gene: HUWE1 (HECT, UBA and WWE domain containing E3 ubiquitin protein ligase 1; minus strand). Cytogenetic location: Xp11.22.
Variant type: single nucleotide variant.
Coding change: c.11562C>A on transcript NM_031407.7 (MANE Select); coding-DNA position 11562, C replaced by A.
Protein change: p.Asp3854Glu; replaces aspartic acid 3854 with glutamic acid.
Molecular consequence: missense variant.
Genome position (GRCh38, 1-based): chrX:53,539,727, G>T on the plus strand (C>A on the coding strand, the complement: HUWE1 is on the minus strand). VCF-style: chrX-53539727-G-T. GRCh37 (hg19) VCF-style: chrX-53566688-G-T.
Other names: short protein forms D3854E.
Identifiers: ClinVar variation 1994566 (VCV001994566.4), dbSNP rs1475476261, ClinGen allele CA413160402.

ClinVar aggregate classification (germline): Uncertain significance (1 of 4 stars; one submission).

Submission:

Labcorp Genetics (formerly Invitae), Labcorp
Classification: Uncertain significance. Last evaluated: 2022-09-01. Review status: criteria provided, single submitter. Criteria: Invitae Variant Classification Sherloc (09022015). Collection method: clinical testing. Allele origin: germline.
Comment: In summary, the available evidence is currently insufficient to determine the role of this variant in disease. Therefore, it has been classified as a Variant of Uncertain Significance. Advanced modeling of protein sequence and biophysical properties (such as structural, functional, and spatial information, amino acid conservation, physicochemical variation, residue mobility, and thermodynamic stability) performed at Invitae indicates that this missense variant is not expected to disrupt HUWE1 protein function. This variant has not been reported in the literature in individuals affected with HUWE1-related conditions. This variant is not present in population databases (gnomAD no frequency). This sequence change replaces aspartic acid, which is acidic and polar, with glutamic acid, which is acidic and polar, at codon 3854 of the HUWE1 protein (p.Asp3854Glu).